The following is an entry in ClinVar:

ClinVar aggregate classification (germline): Likely benign. Review status: criteria provided, single submitter (1 of 4 stars). 2 submissions from 2 submitters: Likely benign (1). 1 of the submissions does not count toward it. Last evaluated 2025-06-02.

Conditions:
Hypertrophic cardiomyopathy. Also called: HYPERTROPHIC MYOCARDIOPATHY. Identifiers: Orphanet 217569, MedGen C0007194, MeSH D002312, MONDO:0005045, HP:0001639.
TNNI3-related disorder. Also called: TNNI3-related condition; TNNI3-related disorders.

Allele frequency attached by ClinVar (database versions not stated): gnomAD exomes below 0.00001; gnomAD 0.00002; TOPMed 0.00002.
gnomAD v4.1: 14 of 1,612,630 alleles (0.00087%); highest among the groups gnomAD compares: Non-Finnish European, 0.0012%; no homozygotes.

Submissions (2):

Labcorp Genetics (formerly Invitae), Labcorp
Classification: Likely benign for Hypertrophic cardiomyopathy. Last evaluated: 2025-06-02. Review status: criteria provided, single submitter. Criteria: Invitae Variant Classification Sherloc (09022015). Collection method: clinical testing. Allele origin: germline.

PreventionGenetics, part of Exact Sciences
Classification: Likely benign for TNNI3-related condition. Last evaluated: 2020-10-02. Review status: no assertion criteria provided. Collection method: clinical testing. Allele origin: germline. Not counted in ClinVar's aggregate classification.
Comment: This variant is classified as likely benign based on ACMG/AMP sequence variant interpretation guidelines (Richards et al. 2015 PMID: 25741868, with internal and published modifications).

NM_000363.5(TNNI3):c.282+10C>G

Gene: TNNI3 (troponin I3, cardiac type; minus strand). Cytogenetic location: 19q13.42.
Variant type: single nucleotide variant.
Coding change: c.282+10C>G on transcript NM_000363.5 (MANE Select); 10 bases into the intron after coding-DNA position 282, C replaced by G.
Molecular consequence: intron variant.
Genome position (GRCh38, 1-based): chr19:55,156,191, G>C on the plus strand (C>G on the coding strand, the complement: TNNI3 is on the minus strand). VCF-style: chr19-55156191-G-C. GRCh37 (hg19) VCF-style: chr19-55667559-G-C.
Other names: c.282+10C>G (LRG_432t1).
Identifiers: ClinVar variation 525067 (VCV000525067.11), dbSNP rs974607293, ClinGen allele CA310149708.